The following is an entry in ClinVar:

NM_003159.3(CDKL5):c.2807_2809del (p.Phe936del)

Genes: CDKL5 (cyclin dependent kinase like 5; plus strand), RS1 (retinoschisin 1; minus strand). Cytogenetic location: Xp22.13.
Variant type: Deletion.
Coding change: c.2807_2809del on transcript NM_003159.3; coding-DNA positions 2807 to 2809, 3 bases deleted (TCT; older notation c.2807_2809delTCT).
Protein change: p.Phe936del; deletes phenylalanine 936.
Molecular consequence: inframe deletion. On other transcripts: intron variant (1).
Genome position (GRCh38, 1-based): chrX:18,650,419-18,650,421, TCT deleted; deleting any 3 consecutive bases within chrX:18,650,417-18,650,421 gives the same sequence; the c. name uses the placement nearest the transcript's 3' end. VCF-style (leftmost placement, unchanged base first): chrX-18650416-ACTT-A. GRCh37 (hg19) VCF-style: chrX-18668536-ACTT-A.
Other names: c.2807_2809del, p.Phe936del (NM_001037343.2); c.185-3087_185-3085del (NM_000330.4); short protein forms F936del.
Identifiers: ClinVar variation 1933221 (VCV001933221.5), dbSNP rs1275358718, ClinGen allele CA640515176.

ClinVar aggregate classification (germline): Uncertain significance (1 of 4 stars; one submission).

Conditions:
Developmental and epileptic encephalopathy, 2 (DEE2). Also called: INFANTILE SPASM SYNDROME, X-LINKED 2; CDKL5 deficiency disorder. Identifiers: Orphanet 1934, Orphanet 3451, Orphanet 505652, MedGen C4750718, MONDO:0010396, OMIM 300672.
Angelman syndrome-like. Identifiers: MedGen CN128785.

Submission:

Labcorp Genetics (formerly Invitae), Labcorp
Classification: Uncertain significance for Developmental and epileptic encephalopathy, 2; Angelman syndrome-like. Last evaluated: 2022-03-14. Review status: criteria provided, single submitter. Criteria: Invitae Variant Classification Sherloc (09022015). Collection method: clinical testing. Allele origin: germline.
Comment: This variant, c.2807_2809del, results in the deletion of 1 amino acid(s) of the CDKL5 protein (p.Phe936del), but otherwise preserves the integrity of the reading frame. This variant is present in population databases (no rsID available, gnomAD 0.001%). This variant has not been reported in the literature in individuals affected with CDKL5-related conditions. Experimental studies and prediction algorithms are not available or were not evaluated, and the functional significance of this variant is currently unknown. In summary, the available evidence is currently insufficient to determine the role of this variant in disease. Therefore, it has been classified as a Variant of Uncertain Significance.